The following is an entry in ClinVar:

ClinVar aggregate classification (germline): Uncertain significance. Review status: criteria provided, multiple submitters, no conflicts (2 of 4 stars). 2 submissions from 2 submitters: Uncertain significance (2). Last evaluated 2025-05-06.

Conditions:
Emery-Dreifuss muscular dystrophy 5, autosomal dominant (EDMD5). Also called: EMERY-DREIFUSS MUSCULAR DYSTROPHY 5. Identifiers: Orphanet 261, MedGen C2751805, MONDO:0013072, OMIM 612999.

gnomAD v4.1: 13 of 1,605,528 alleles (0.00081%); highest among the groups gnomAD compares: African/African-American, 0.012%; no homozygotes.

Submissions (2):

Labcorp Genetics (formerly Invitae), Labcorp
Classification: Uncertain significance for Emery-Dreifuss muscular dystrophy 5, autosomal dominant. Last evaluated: 2025-05-06. Review status: criteria provided, single submitter. Criteria: Invitae Variant Classification Sherloc (09022015). Collection method: clinical testing. Allele origin: germline.
Comment: This sequence change replaces asparagine, which is neutral and polar, with serine, which is neutral and polar, at codon 322 of the SYNE2 protein (p.Asn322Ser). This variant is present in population databases (rs199504765, gnomAD 0.02%). This variant has not been reported in the literature in individuals affected with SYNE2-related conditions. An algorithm developed to predict the effect of missense changes on protein structure and function outputs the following: PolyPhen-2: "Benign". The serine amino acid residue is found in multiple mammalian species, which suggests that this missense change does not adversely affect protein function. In summary, the available evidence is currently insufficient to determine the role of this variant in disease. Therefore, it has been classified as a Variant of Uncertain Significance.

Ambry Genetics
Classification: Uncertain significance. Last evaluated: 2025-01-27. Review status: criteria provided, single submitter. Criteria: Ambry Variant Classification Scheme 2023. Collection method: clinical testing. Allele origin: germline.

NM_182914.3(SYNE2):c.965A>G (p.Asn322Ser)

Gene: SYNE2 (spectrin repeat containing nuclear envelope protein 2; plus strand). Cytogenetic location: 14q23.2.
Variant type: single nucleotide variant.
Coding change: c.965A>G on transcript NM_182914.3 (MANE Select); coding-DNA position 965, A replaced by G.
Protein change: p.Asn322Ser; replaces asparagine 322 with serine.
Molecular consequence: missense variant.
Genome position (GRCh38, 1-based): chr14:63,963,975, A>G. VCF-style: chr14-63963975-A-G. GRCh37 (hg19) VCF-style: chr14-64430693-A-G.
Other names: c.965A>G, p.Asn322Ser (NM_015180.6); short protein forms N322S.
Identifiers: ClinVar variation 3803432 (VCV003803432.2).